The following is an entry in ClinVar:

ClinVar aggregate classification (germline): Uncertain significance (1 of 4 stars; one submission).

Allele frequency attached by ClinVar (database versions not stated): ExAC 0.00006.
gnomAD v4.1: 6 of 1,563,940 alleles (0.00038%); highest among the groups gnomAD compares: South Asian, 0.0071%; no homozygotes.

Submission:

Labcorp Genetics (formerly Invitae), Labcorp
Classification: Uncertain significance. Last evaluated: 2022-05-22. Review status: criteria provided, single submitter. Criteria: Invitae Variant Classification Sherloc (09022015). Collection method: clinical testing. Allele origin: germline.
Comment: This sequence change replaces alanine, which is neutral and non-polar, with valine, which is neutral and non-polar, at codon 112 of the CREB3L1 protein (p.Ala112Val). The frequency data for this variant in the population databases is considered unreliable, as metrics indicate poor data quality at this position in the gnomAD database. This variant has not been reported in the literature in individuals affected with CREB3L1-related conditions. Algorithms developed to predict the effect of missense changes on protein structure and function output the following: SIFT: "Tolerated"; PolyPhen-2: "Benign"; Align-GVGD: "Class C0". The valine amino acid residue is found in multiple mammalian species, which suggests that this missense change does not adversely affect protein function. In summary, the available evidence is currently insufficient to determine the role of this variant in disease. Therefore, it has been classified as a Variant of Uncertain Significance.

NM_052854.4(CREB3L1):c.335C>T (p.Ala112Val)

Gene: CREB3L1 (cAMP responsive element binding protein 3 like 1; plus strand). Cytogenetic location: 11p11.2.
Variant type: single nucleotide variant.
Coding change: c.335C>T on transcript NM_052854.4 (MANE Select); coding-DNA position 335, C replaced by T.
Protein change: p.Ala112Val; replaces alanine 112 with valine.
Molecular consequence: missense variant.
Genome position (GRCh38, 1-based): chr11:46,307,819, C>T. VCF-style: chr11-46307819-C-T. GRCh37 (hg19) VCF-style: chr11-46329370-C-T.
Other names: short protein forms A112V.
Identifiers: ClinVar variation 1994160 (VCV001994160.4), dbSNP rs745854517, ClinGen allele CA5961550.